The following is an entry in ClinVar:

NM_022788.5(P2RY12):c.968C>T (p.Ser323Phe)

Genes: MED12L (mediator complex subunit 12L; plus strand), P2RY12 (purinergic receptor P2Y12; minus strand). Cytogenetic location: 3q25.1.
Variant type: single nucleotide variant.
Coding change: c.968C>T on transcript NM_022788.5 (MANE Select); coding-DNA position 968, C replaced by T.
Protein change: p.Ser323Phe; replaces serine 323 with phenylalanine.
Molecular consequence: missense variant. On other transcripts: intron variant (2).
Genome position (GRCh38, 1-based): chr3:151,337,878, G>A on the plus strand (C>T on the coding strand, the complement: P2RY12 is on the minus strand). VCF-style: chr3-151337878-G-A. GRCh37 (hg19) VCF-style: chr3-151055666-G-A.
Other names: c.968C>T, p.Ser323Phe (NM_176876.3); c.2251-12181G>A (NM_001393769.1); c.2146-12181G>A (NM_053002.6); short protein forms S323F.
Identifiers: ClinVar variation 2162521 (VCV002162521.5), dbSNP rs181775983, ClinGen allele CA2667772.

ClinVar aggregate classification (germline): Uncertain significance. Review status: criteria provided, multiple submitters, no conflicts (2 of 4 stars). 2 submissions from 2 submitters: Uncertain significance (2). Last evaluated 2024-10-26.

Allele frequency attached by ClinVar (database versions not stated): gnomAD exomes 0.00001; ExAC 0.00003; TOPMed 0.00005; gnomAD 0.00006; 1000 Genomes Project 30x 0.00031; 1000 Genomes Project 0.00040.
gnomAD v4.1: 30 of 1,614,066 alleles (0.0019%); highest among the groups gnomAD compares: African/African-American, 0.028%; no homozygotes.

Submissions (2):

Labcorp Genetics (formerly Invitae), Labcorp
Classification: Uncertain significance. Last evaluated: 2024-10-26. Review status: criteria provided, single submitter. Criteria: Invitae Variant Classification Sherloc (09022015). Collection method: clinical testing. Allele origin: germline.
Comment: This sequence change replaces serine, which is neutral and polar, with phenylalanine, which is neutral and non-polar, at codon 323 of the P2RY12 protein (p.Ser323Phe). This variant is present in population databases (rs181775983, gnomAD 0.02%). This variant has not been reported in the literature in individuals affected with P2RY12-related conditions. ClinVar contains an entry for this variant (Variation ID: 2162521). An algorithm developed to predict the effect of missense changes on protein structure and function (PolyPhen-2) suggests that this variant is likely to be tolerated. In summary, the available evidence is currently insufficient to determine the role of this variant in disease. Therefore, it has been classified as a Variant of Uncertain Significance.

Ambry Genetics
Classification: Uncertain significance. Last evaluated: 2024-04-04. Review status: criteria provided, single submitter. Criteria: Ambry Variant Classification Scheme 2023. Collection method: clinical testing. Allele origin: germline.